The following is an entry in ClinVar:

NM_003480.4(MFAP5):c.236A>T (p.Asn79Ile)

Gene: MFAP5 (microfibril associated protein 5; minus strand). Cytogenetic location: 12p13.31.
Variant type: single nucleotide variant.
Coding change: c.236A>T on transcript NM_003480.4 (MANE Select); coding-DNA position 236, A replaced by T.
Protein change: p.Asn79Ile; replaces asparagine 79 with isoleucine.
Molecular consequence: missense variant. On other transcripts: non-coding transcript variant (1), intron variant (4).
Genome position (GRCh38, 1-based): chr12:8,651,673, T>A on the plus strand (A>T on the coding strand, the complement: MFAP5 is on the minus strand). VCF-style: chr12-8651673-T-A. GRCh37 (hg19) VCF-style: chr12-8804269-T-A.
Other names: c.182-1084A>T (NM_001297710.2); c.173-1084A>T (NM_001297711.2); c.217+2764A>T (NM_001297712.2); c.218-1084A>T (NM_001297709.2); c.236A>T (NM_003480.3); short protein forms N79I.
Identifiers: ClinVar variation 1586100 (VCV001586100.16), dbSNP rs139330366, ClinGen allele CA6434675.

ClinVar aggregate classification (germline): Conflicting classifications of pathogenicity. Review status: criteria provided, conflicting classifications (1 of 4 stars). 6 submissions from 6 submitters: Uncertain significance (2); Likely benign (3). 1 of the submissions does not count toward it. Last evaluated 2026-02-02.

Conditions:
Cardiovascular phenotype. Identifiers: MedGen CN230736.
Aortic aneurysm, familial thoracic 9 (AAT9). Identifiers: MedGen C4015368, MONDO:0014514, OMIM 616166.
MFAP5-related disorder. Also called: MFAP5-related condition.

Allele frequency attached by ClinVar (database versions not stated): 1000 Genomes Project 30x 0.00016; 1000 Genomes Project 0.00020; ESP Exome Variant Server 0.00038; gnomAD 0.00045 and 0.00048.
gnomAD v4.1: 1,155 of 1,613,516 alleles (0.072%); highest among the groups gnomAD compares: Non-Finnish European, 0.088%; 4 homozygotes.

Submissions (6):

Labcorp Genetics (formerly Invitae), Labcorp
Classification: Likely benign. Last evaluated: 2026-02-02. Review status: criteria provided, single submitter. Criteria: Invitae Variant Classification Sherloc (09022015). Collection method: clinical testing. Allele origin: germline.

Blueprint Genetics
Classification: Likely benign. Last evaluated: 2024-09-16. Review status: criteria provided, single submitter. Criteria: ACMG Guidelines, 2015. Collection method: clinical testing. Allele origin: germline.

ARUP Laboratories, Molecular Genetics and Genomics, ARUP Laboratories
Classification: Uncertain significance for Aortic aneurysm, familial thoracic 9. Last evaluated: 2024-04-17. Review status: criteria provided, single submitter. Criteria: ARUP Molecular Germline Variant Investigation Process 2024. Collection method: clinical testing. Allele origin: germline.
Comment: The MFAP5 c.236A>T; p.Asn79Ile variant, to our knowledge, is not reported in the medical literature but is reported in ClinVar (Variation ID: 1586100). This variant is found in the non-Finnish European population with an allele frequency of 0.08% (104/129050 alleles, including 1 homozygote) in the Genome Aggregation Database. Computational analyses are uncertain whether this variant is neutral or deleterious (REVEL: 0.228). Due to limited information, the clinical significance of this variant is uncertain at this time.

Ambry Genetics
Classification: Uncertain significance for Cardiovascular phenotype. Last evaluated: 2024-01-11. Review status: criteria provided, single submitter. Criteria: Ambry Variant Classification Scheme 2023. Collection method: clinical testing. Allele origin: germline.
Comment: The p.N79I variant (also known as c.236A>T), located in coding exon 6 of the MFAP5 gene, results from an A to T substitution at nucleotide position 236. The asparagine at codon 79 is replaced by isoleucine, an amino acid with dissimilar properties. This amino acid position is highly conserved in available vertebrate species. In addition, the in silico prediction for this alteration is inconclusive. The evidence for this gene-disease relationship is limited; therefore, the clinical significance of this alteration is unclear.

Women's Health and Genetics/Laboratory Corporation of America, LabCorp
Classification: Likely benign. Last evaluated: 2023-07-21. Review status: criteria provided, single submitter. Criteria: LabCorp Variant Classification Summary - May 2015. Collection method: clinical testing. Allele origin: germline.

PreventionGenetics, part of Exact Sciences
Classification: Likely benign for MFAP5-related condition. Last evaluated: 2023-01-18. Review status: no assertion criteria provided. Collection method: clinical testing. Allele origin: germline. Not counted in ClinVar's aggregate classification.
Comment: This variant is classified as likely benign based on ACMG/AMP sequence variant interpretation guidelines (Richards et al. 2015 PMID: 25741868, with internal and published modifications).